The following is an entry in ClinVar:

ClinVar aggregate classification (germline): Uncertain significance (1 of 4 stars; one submission).

Conditions:
Breast-ovarian cancer, familial, susceptibility to, 4. Identifiers: Orphanet 145, MedGen C3280345, MONDO:0013669, OMIM 614291.

Allele frequency attached by ClinVar (database versions not stated): gnomAD exomes below 0.00001.
gnomAD v4.1: 1 of 1,612,698 alleles (0.000062%); highest among the groups gnomAD compares: Non-Finnish European, 0.000085%; no homozygotes.

Submission:

Labcorp Genetics (formerly Invitae), Labcorp
Classification: Uncertain significance for Breast-ovarian cancer, familial, susceptibility to, 4. Last evaluated: 2019-06-27. Review status: criteria provided, single submitter. Criteria: Invitae Variant Classification Sherloc (09022015). Collection method: clinical testing. Allele origin: germline.
Comment: This variant is not present in population databases (ExAC no frequency). In summary, the available evidence is currently insufficient to determine the role of this variant in disease. Therefore, it has been classified as a Variant of Uncertain Significance. Algorithms developed to predict the effect of missense changes on protein structure and function are either unavailable or do not agree on the potential impact of this missense change (SIFT: "Deleterious"; PolyPhen-2: "Possibly Damaging"; Align-GVGD: "Class C15"). This variant has not been reported in the literature in individuals with RAD51D-related conditions. This sequence change replaces arginine with methionine at codon 21 of the RAD51D protein (p.Arg21Met). The arginine residue is moderately conserved and there is a moderate physicochemical difference between arginine and methionine.

NM_002878.4(RAD51D):c.62G>T (p.Arg21Met)

Genes: RAD51D (RAD51 paralog D; minus strand), RAD51L3-RFFL (RAD51L3-RFFL readthrough; minus strand). Cytogenetic location: 17q12.
Variant type: single nucleotide variant.
Coding change: c.62G>T on transcript NM_002878.4 (MANE Select); coding-DNA position 62, G replaced by T.
Protein change: p.Arg21Met; replaces arginine 21 with methionine.
Molecular consequence: missense variant. On other transcripts: non-coding transcript variant (2).
Genome position (GRCh38, 1-based): chr17:35,119,552, C>A on the plus strand (G>T on the coding strand, the complement: RAD51D is on the minus strand). VCF-style: chr17-35119552-C-A. GRCh37 (hg19) VCF-style: chr17-33446571-C-A.
Other names: c.62G>T, p.Arg21Met (NM_001142571.2, NM_133629.3); short protein forms R21M.
Identifiers: ClinVar variation 946247 (VCV000946247.9), dbSNP rs2091797738, ClinGen allele CA399092351.